The following is an entry in ClinVar:

ClinVar aggregate classification (germline): Benign (1 of 4 stars; one submission).

Conditions:
Prostate cancer, hereditary, 9 (HPC9). Identifiers: Orphanet 1331, MedGen C1970250, MONDO:0012597, OMIM 610997.

Submission:

Myriad Genetics, Inc.
Classification: Benign for Prostate cancer, hereditary, 9. Last evaluated: 2024-10-30. Review status: criteria provided, single submitter. Criteria: Myriad Autosomal Dominant, Autosomal Recessive and X-Linked Classification Criteria (2023). Collection method: clinical testing. Allele origin: unknown.
Comment: This variant is considered benign. This variant is a silent/synonymous amino acid change and it is not expected to impact splicing.

NM_006361.6(HOXB13):c.501C>T (p.Asp167=)

Gene: HOXB13 (homeobox B13; minus strand). Cytogenetic location: 17q21.32.
Variant type: single nucleotide variant.
Coding change: c.501C>T on transcript NM_006361.6 (MANE Select); coding-DNA position 501, C replaced by T.
Protein change: p.Asp167=; no amino-acid change (aspartic acid 167 retained).
Molecular consequence: synonymous variant.
Genome position (GRCh38, 1-based): chr17:48,728,093, G>A on the plus strand (C>T on the coding strand, the complement: HOXB13 is on the minus strand). VCF-style: chr17-48728093-G-A. GRCh37 (hg19) VCF-style: chr17-46805455-G-A.
Identifiers: ClinVar variation 3773304 (VCV003773304.1).